The following is an entry in ClinVar:

NM_004329.3(BMPR1A):c.1343-7C>T

Gene: BMPR1A (bone morphogenetic protein receptor type 1A; plus strand). Cytogenetic location: 10q23.2.
Variant type: single nucleotide variant.
Coding change: c.1343-7C>T on transcript NM_004329.3 (MANE Select); 7 bases into the intron before coding-DNA position 1343, C replaced by T.
Molecular consequence: intron variant.
Genome position (GRCh38, 1-based): chr10:86,923,369, C>T. VCF-style: chr10-86923369-C-T. GRCh37 (hg19) VCF-style: chr10-88683126-C-T.
Other names: c.1343-7C>T (NM_001406562.1, NM_001406568.1, NM_001406567.1 and 19 more transcripts); c.1259-7C>T (NM_001406584.1, NM_001406588.1, NM_001406587.1 and 2 more transcripts); c.1391-7C>T (NM_001406560.1); c.1418-7C>T (NM_001406559.1); c.1337-7C>T (NM_001406583.1); c.1001-7C>T (NM_001406589.1).
Identifiers: ClinVar variation 2985599 (VCV002985599.4), dbSNP rs1218187356, ClinGen allele CA594897265.
Genomic context (GRCh38, chr10:86,923,369, plus strand): 5'-GCTTACTAGATTGGTATATCTTGTCCAGCAACCATTTTTGTGCCCATGTTTTCTCATTCC[C>T]TTATAGGGATCGTGGAAGAATACCAATTGCCATATTACAACATGGTACCGAGTGATCCGT-3'

ClinVar aggregate classification (germline): Likely benign. Review status: criteria provided, multiple submitters, no conflicts (2 of 4 stars). 2 submissions from 2 submitters: Likely benign (2). Last evaluated 2024-08-07.

Conditions:
Juvenile polyposis syndrome (JPS). Identifiers: Orphanet 2929, MedGen C0345893, MONDO:0017380, OMIM 174900.

Allele frequency attached by ClinVar (database versions not stated): gnomAD exomes below 0.00001.

Submissions (2):

Myriad Genetics, Inc.
Classification: Likely benign for Juvenile polyposis syndrome. Last evaluated: 2024-08-07. Review status: criteria provided, single submitter. Criteria: Myriad Autosomal Dominant, Autosomal Recessive and X-Linked Classification Criteria (2023). Collection method: clinical testing. Allele origin: unknown.
Comment: This variant is considered likely benign. This variant is intronic and is not expected to impact mRNA splicing.

Labcorp Genetics (formerly Invitae), Labcorp
Classification: Likely benign for Juvenile polyposis syndrome. Last evaluated: 2023-01-25. Review status: criteria provided, single submitter. Criteria: Invitae Variant Classification Sherloc (09022015). Collection method: clinical testing. Allele origin: germline.